The following is an entry in ClinVar:

NM_003098.3(SNTA1):c.1325G>T (p.Arg442Leu)

Gene: SNTA1 (syntrophin alpha 1; minus strand). Cytogenetic location: 20q11.21.
Variant type: single nucleotide variant.
Coding change: c.1325G>T on transcript NM_003098.3 (MANE Select); coding-DNA position 1325, G replaced by T.
Protein change: p.Arg442Leu; replaces arginine 442 with leucine.
Molecular consequence: missense variant. On other transcripts: nonsense (1).
Genome position (GRCh38, 1-based): chr20:33,408,801, C>A on the plus strand (G>T on the coding strand, the complement: SNTA1 is on the minus strand). VCF-style: chr20-33408801-C-A. GRCh37 (hg19) VCF-style: chr20-31996607-C-A.
Other names: c.1325G>T, p.Arg442Leu (NM_001424413.1); c.1357G>T, p.Glu453Ter (NM_001424414.1); short protein forms E453*, R442L.
Identifiers: ClinVar variation 5029998 (VCV005029998.1).

ClinVar aggregate classification (germline): Uncertain significance (1 of 4 stars; one submission).

Conditions:
Cardiovascular phenotype. Identifiers: MedGen CN230736.

Submission:

Ambry Genetics
Classification: Uncertain significance for Cardiovascular phenotype. Last evaluated: 2026-07-09. Review status: criteria provided, single submitter. Criteria: Ambry Variant Classification Scheme 2023. Collection method: clinical testing. Allele origin: germline.
Comment: The p.R442L variant (also known as c.1325G>T), located in coding exon 7 of the SNTA1 gene, results from a G to T substitution at nucleotide position 1325. The arginine at codon 442 is replaced by leucine, an amino acid with dissimilar properties. This amino acid position is conserved. In addition, this alteration is predicted to be tolerated by in silico analysis. Based on the available evidence, the clinical significance of this variant remains unclear.